The following is an entry in ClinVar:

NM_031476.4(CRISPLD2):c.1085C>G (p.Ser362Cys)

Gene: CRISPLD2 (cysteine rich secretory protein LCCL domain containing 2; plus strand). Cytogenetic location: 16q24.1.
Variant type: single nucleotide variant.
Coding change: c.1085C>G on transcript NM_031476.4 (MANE Select); coding-DNA position 1085, C replaced by G.
Protein change: p.Ser362Cys; replaces serine 362 with cysteine.
Molecular consequence: missense variant.
Genome position (GRCh38, 1-based): chr16:84,873,095, C>G. VCF-style: chr16-84873095-C-G. GRCh37 (hg19) VCF-style: chr16-84906701-C-G.
Other names: short protein forms S362C.
Identifiers: ClinVar variation 4988386 (VCV004988386.1).

ClinVar aggregate classification (germline): Uncertain significance (1 of 4 stars; one submission).

Conditions:
CRISPLD2-related disorder. Also called: CRISPLD2-related condition.

gnomAD v4.1: 2 of 1,613,952 alleles (0.00012%); highest among the groups gnomAD compares: Non-Finnish European, 0.00017%; no homozygotes.

Submission:

PreventionGenetics, part of Exact Sciences
Classification: Uncertain significance for CRISPLD2-related condition. Last evaluated: 2025-06-26. Review status: criteria provided, single submitter. Criteria: ACMG Guidelines, 2015. Collection method: clinical testing. Allele origin: germline.
Comment: The CRISPLD2 c.1085C>G variant is predicted to result in the amino acid substitution p.Ser362Cys. To our knowledge, this variant has not been reported in the literature or in a large population database (gnomAD), indicating this variant is rare. At this time, the clinical significance of this variant is uncertain due to the absence of conclusive functional and genetic evidence.